The following is an entry in ClinVar:

NM_015311.3(OBSL1):c.3950T>A (p.Leu1317Gln)

Gene: OBSL1 (obscurin like cytoskeletal adaptor 1; minus strand). Cytogenetic location: 2q35.
Variant type: single nucleotide variant.
Coding change: c.3950T>A on transcript NM_015311.3 (MANE Select); coding-DNA position 3950, T replaced by A.
Protein change: p.Leu1317Gln; replaces leucine 1317 with glutamine.
Molecular consequence: missense variant.
Genome position (GRCh38, 1-based): chr2:219,557,459, A>T on the plus strand (T>A on the coding strand, the complement: OBSL1 is on the minus strand). VCF-style: chr2-219557459-A-T. GRCh37 (hg19) VCF-style: chr2-220422181-A-T.
Other names: c.3950T>A, p.Leu1317Gln (NM_001173431.2); short protein forms L1317Q.
Identifiers: ClinVar variation 334490 (VCV000334490.20), dbSNP rs115283876, ClinGen allele CA2130708.

ClinVar aggregate classification (germline): Benign/Likely benign. Review status: criteria provided, multiple submitters, no conflicts (2 of 4 stars). 6 submissions from 6 submitters: Benign (2); Likely benign (4). Last evaluated 2026-05-11.

Conditions:
3M syndrome 2. Also called: THREE M SYNDROME 2; 3-M Syndrome, OBSL1-Related. Identifiers: Orphanet 2616, MedGen C2752041, MONDO:0013039, OMIM 612921.

Allele frequency attached by ClinVar (database versions not stated): gnomAD 0.00740; 1000 Genomes Project 0.00779; ExAC 0.00201; 1000 Genomes Project 30x 0.00796; TOPMed 0.00822; ESP Exome Variant Server 0.00750.
gnomAD v4.1: 2,360 of 1,548,662 alleles (0.15%); highest among the groups gnomAD compares: African/African-American, 2.7%; 34 homozygotes.

Submissions (6):

Women's Health and Genetics/Laboratory Corporation of America, LabCorp
Classification: Likely benign. Last evaluated: 2026-05-11. Review status: criteria provided, single submitter. Criteria: LabCorp Variant Classification Summary - May 2015. Collection method: clinical testing. Allele origin: germline.

Labcorp Genetics (formerly Invitae), Labcorp
Classification: Benign. Last evaluated: 2026-01-28. Review status: criteria provided, single submitter. Criteria: Invitae Variant Classification Sherloc (09022015). Collection method: clinical testing. Allele origin: germline.

Genomic Medicine Center of Excellence, King Faisal Specialist Hospital and Research Centre
Classification: Likely benign. Last evaluated: 2025-08-18. Review status: criteria provided, single submitter. Criteria: ACMG Guidelines, 2015. Collection method: clinical testing. Allele origin: germline.

Illumina Laboratory Services, Illumina
Classification: Benign for 3M syndrome 2. Last evaluated: 2018-01-12. Review status: criteria provided, single submitter. Criteria: ICSL Variant Classification Criteria 13 December 2019. Collection method: clinical testing. Allele origin: germline.
Comment: This variant was observed in the ICSL laboratory as part of a predisposition screen in an ostensibly healthy population. It had not been previously curated by ICSL or reported in the Human Gene Mutation Database (HGMD: prior to June 1st, 2018), and was therefore a candidate for classification through an automated scoring system. Utilizing variant allele frequency, disease prevalence and penetrance estimates, and inheritance mode, an automated score was calculated to assess if this variant is too frequent to cause the disease. Based on the score and internal cut-off values, a variant classified as benign is not then subjected to further curation. The score for this variant resulted in a classification of benign for this disease.

Center for Pediatric Genomic Medicine, Children's Mercy Hospital and Clinics
Classification: Likely benign. Last evaluated: 2017-01-05. Review status: criteria provided, single submitter. Criteria: ACMG Guidelines, 2015. Collection method: clinical testing. Allele origin: germline.
ClinVar note: Converted during submission from Likely Benign to Likely benign.

Breakthrough Genomics
Classification: Likely benign. Review status: criteria provided, single submitter. Criteria: ACMG Guidelines, 2015. Collection method: not provided. Allele origin: germline. Inheritance: Autosomal recessive inheritance. Affected: yes.